The following is an entry in ClinVar:

NM_001199107.2(TBC1D24):c.*2910A>T

Gene: TBC1D24 (TBC1 domain family member 24; plus strand). Cytogenetic location: 16p13.3.
Variant type: single nucleotide variant.
Coding change: c.*2910A>T on transcript NM_001199107.2 (MANE Select); 2910 bases downstream of the stop codon, A replaced by T.
Molecular consequence: 3 prime UTR variant.
Genome position (GRCh38, 1-based): chr16:2,503,868, A>T. VCF-style: chr16-2503868-A-T. GRCh37 (hg19) VCF-style: chr16-2553869-A-T.
Other names: c.*2910A>T (NM_020705.3).
Identifiers: ClinVar variation 318677 (VCV000318677.6), dbSNP rs4786287, ClinGen allele CA10648200.

ClinVar aggregate classification (germline): Benign. Review status: criteria provided, multiple submitters, no conflicts (2 of 4 stars). 2 submissions from 2 submitters: Benign (2). Last evaluated 2018-01-13.

Conditions:
Familial infantile myoclonic epilepsy (FIME). Also called: TBC1D24-Related Familial Infantile Myoclonic Epilepsy (FIME); Epilepsy, Myoclonic, Infantile. Identifiers: Orphanet 352582, MedGen C0917800, MONDO:0011506, OMIM 605021.

Allele frequency attached by ClinVar (database versions not stated): TOPMed 0.43103; 1000 Genomes Project 0.45547; gnomAD 0.42768 and 0.42849; 1000 Genomes Project 30x 0.45050.

Submissions (2):

Illumina Laboratory Services, Illumina
Classification: Benign for Familial infantile myoclonic epilepsy. Last evaluated: 2018-01-13. Review status: criteria provided, single submitter. Criteria: ICSL Variant Classification Criteria 13 December 2019. Collection method: clinical testing. Allele origin: germline.
Comment: This variant was observed in the ICSL laboratory as part of a predisposition screen in an ostensibly healthy population. It had not been previously curated by ICSL or reported in the Human Gene Mutation Database (HGMD: prior to June 1st, 2018), and was therefore a candidate for classification through an automated scoring system. Utilizing variant allele frequency, disease prevalence and penetrance estimates, and inheritance mode, an automated score was calculated to assess if this variant is too frequent to cause the disease. Based on the score and internal cut-off values, a variant classified as benign is not then subjected to further curation. The score for this variant resulted in a classification of benign for this disease.

Breakthrough Genomics
Classification: Benign. Review status: criteria provided, single submitter. Criteria: ACMG Guidelines, 2015. Collection method: not provided. Allele origin: germline. Inheritance: Autosomal recessive inheritance. Affected: yes.